The following is an entry in ClinVar:

NM_177550.5(SLC13A5):c.429_437del (p.Thr144_Ala146del)

Gene: SLC13A5 (solute carrier family 13 member 5; minus strand). Cytogenetic location: 17p13.1.
Variant type: Deletion.
Coding change: c.429_437del on transcript NM_177550.5 (MANE Select); coding-DNA positions 429 to 437, 9 bases deleted (AACCACGGC; older notation c.429_437delAACCACGGC).
Protein change: p.Thr144_Ala146del.
Molecular consequence: inframe deletion.
Genome position (GRCh38, 1-based): chr17:6,703,988-6,703,996, GCCGTGGTT deleted on the plus strand (AACCACGGC on the coding strand, the reverse complement: SLC13A5 is on the minus strand); deleting any 9 consecutive bases within chr17:6,703,988-6,704,002 gives the same sequence; the c. name uses the placement nearest the transcript's 3' end. VCF-style (leftmost placement, unchanged base first): chr17-6703987-GGCCGTGGTT-G. GRCh37 (hg19) VCF-style: chr17-6607306-GGCCGTGGTT-G.
Other names: c.429_437del, p.Thr144_Ala146del (NM_001143838.3); c.378_386del, p.Thr127_Ala129del (NM_001284509.2); c.300_308del, p.Thr101_Ala103del (NM_001284510.2).
Identifiers: ClinVar variation 1474663 (VCV001474663.8), dbSNP rs769931974, ClinGen allele CA8331716.
Genomic context (GRCh38, chr17:6,703,987, plus strand): 5'-GGTGGCTGCGCTTGTGGCTTCCATCTGCTGCAATATGGCCTCCACGATGGGCACCATCAT[GGCCGTGGTT>G]GCCGTGTTACTGATCCACATGGACAGGAGGGCTGTGACGCCCATGAAGCCCAGCATCAGC-3'

ClinVar aggregate classification (germline): Uncertain significance. Review status: criteria provided, multiple submitters, no conflicts (2 of 4 stars). 2 submissions from 2 submitters: Uncertain significance (2). Last evaluated 2025-12-03.

Conditions:
Developmental and epileptic encephalopathy, 25 (DEE25). Also called: Epileptic encephalopathy, early infantile, 25; Developmental and epileptic encephalopathy 25, with amelogenesis imperfecta; Epileptic encephalopathy, early infantile, 25, with amelogenesis imperfecta. Identifiers: Orphanet 442835, MedGen C4014621, MONDO:0014392, OMIM 615905.

Submissions (2):

3billion
Classification: Uncertain significance for Developmental and epileptic encephalopathy, 25. Last evaluated: 2025-12-03. Review status: criteria provided, single submitter. Criteria: ACMG Guidelines, 2015. Collection method: clinical testing. Allele origin: germline. Affected: yes.
Comment: The variant is observed at an extremely low frequency in the gnomAD v4.1.0 dataset (total allele frequency: <0.001%). Predicted Consequence/Location: Inframe deletion located in a nonrepeat region: predicted to change the length of the protein and disrupt normal protein function. The variant has been reported to be associated with SLC13A5-related disorder (PMID: 34489640). Therefore, this variant is classified as VUS according to the recommendation of ACMG/AMP guideline.

Labcorp Genetics (formerly Invitae), Labcorp
Classification: Uncertain significance for Developmental and epileptic encephalopathy, 25. Last evaluated: 2024-03-24. Review status: criteria provided, single submitter. Criteria: Invitae Variant Classification Sherloc (09022015). Collection method: clinical testing. Allele origin: germline.
Comment: This variant, c.429_437del, results in the deletion of 3 amino acid(s) of the SLC13A5 protein (p.Thr144_Ala146del), but otherwise preserves the integrity of the reading frame. This variant is present in population databases (rs769931974, gnomAD 0.03%). This variant has not been reported in the literature in individuals affected with SLC13A5-related conditions. ClinVar contains an entry for this variant (Variation ID: 1474663). Experimental studies and prediction algorithms are not available or were not evaluated, and the functional significance of this variant is currently unknown. In summary, the available evidence is currently insufficient to determine the role of this variant in disease. Therefore, it has been classified as a Variant of Uncertain Significance.

Literature cited by the submitters: PubMed 34489640 (cited by 3billion).